The following is an entry in ClinVar:

ClinVar aggregate classification (germline): Pathogenic. Review status: criteria provided, multiple submitters, no conflicts (2 of 4 stars). 2 submissions from 2 submitters: Pathogenic (2). Last evaluated 2016-04-06.

Conditions:
Inborn genetic diseases. Identifiers: MedGen C0950123, MeSH D030342.

Submissions (2):

Ambry Genetics
Classification: Pathogenic for Inborn genetic diseases. Last evaluated: 2016-04-06. Review status: criteria provided, single submitter. Criteria: Ambry exome assertion method (8-5-2015). Collection method: clinical testing. Allele origin: germline. Affected: yes. Observed: 1 variant allele.

GeneDx
Classification: Pathogenic. Last evaluated: 2016-02-22. Review status: criteria provided, single submitter. Criteria: GeneDx Variant Classification (06012015). Collection method: clinical testing. Allele origin: germline. Affected: yes.
Comment: The c.714_715insTTGAACT pathogenic variant in the DOCK8 gene causes a frameshift starting with codon Aspartic acid 242, changes this amino acid to a Glutamic acid residue and creates a premature Stop codon at position 3 of the new reading frame, denoted p.Asp242GlufsX3. This variant is predicted to cause loss of normal protein function either through protein truncation or nonsense-mediated mRNA decay. The variant was not observed in approximately 6,500 individuals of European and African American ancestry in the NHLBI Exome Sequencing Project, indicating it is not a common benign variant in these populations.

NM_203447.4(DOCK8):c.918_919insTTGAACT (p.Asp310fs)

Gene: DOCK8 (dedicator of cytokinesis 8; plus strand). Cytogenetic location: 9p24.3.
Variant type: Insertion.
Coding change: c.918_919insTTGAACT on transcript NM_203447.4 (MANE Select); coding-DNA positions 918 to 919, TTGAACT inserted.
Protein change: p.Asp310fs; shifts the reading frame from aspartic acid 310.
Molecular consequence: frameshift variant.
Genome position: GRCh38 VCF-style: chr9-328045-C-CTTGAACT. GRCh37 (hg19) VCF-style: chr9-328045-C-CTTGAACT.
Other names: c.714_715insTTGAACT, p.Asp242fs (NM_001190458.2, NM_001193536.2); short protein forms D242fs, D310fs.
Identifiers: ClinVar variation 418635 (VCV000418635.5), dbSNP rs1064793335, ClinGen allele CA16618848.
Genomic context (GRCh38, chr9:328,045, plus strand): 5'-GGTCTAACTTATATTTCACTTTGCTGCTCATTTACAGATCTCAGAAAATTTTCACTGTGA[C>CTTGAACT]CTGAACTCTGACCAGTTCAAAGGATTTCTGCGAGCTCACACGCCTTCAGTGGCCGCATCA-3'